The following is an entry in ClinVar:

ClinVar aggregate classification (germline): Uncertain significance (1 of 4 stars; one submission).

Conditions:
Hypertrophic cardiomyopathy. Also called: HYPERTROPHIC MYOCARDIOPATHY. Identifiers: Orphanet 217569, MedGen C0007194, MeSH D002312, MONDO:0005045, HP:0001639.
Primary dilated cardiomyopathy (DCM). Also called: Dilated Cardiomyopathy. Identifiers: Orphanet 217604, MedGen C0007193, MeSH D002311, MONDO:0005021, HP:0001644. Inheritance: Various modes of inheritance.

Allele frequency attached by ClinVar (database versions not stated): gnomAD below 0.00001 and 0.00001; gnomAD exomes 0.00001 and 0.00002; ExAC 0.00003.
gnomAD v4.1: 10 of 1,614,022 alleles (0.00062%); highest among the groups gnomAD compares: South Asian, 0.0099%; no homozygotes.

Submission:

Labcorp Genetics (formerly Invitae), Labcorp
Classification: Uncertain significance for Hypertrophic cardiomyopathy; Primary dilated cardiomyopathy. Last evaluated: 2017-05-03. Review status: criteria provided, single submitter. Criteria: Invitae Variant Classification Sherloc (09022015). Collection method: clinical testing. Allele origin: germline.
Comment: In summary, this variant is a rare missense change with uncertain impact on protein function. There is no indication that it causes disease, but the available evidence is currently insufficient to prove that conclusively. Therefore, it has been classified as a Variant of Uncertain Significance. Algorithms developed to predict the effect of missense changes on protein structure and function (SIFT, PolyPhen-2, Align-GVGD) all suggest that this variant is likely to be disruptive, but these predictions have not been confirmed by published functional studies. This variant is present in population databases (rs778943215, ExAC 0.02%) but has not been reported in the literature in individuals with a PDLIM3-related disease. This sequence change replaces aspartic acid with glutamic acid at codon 47 of the PDLIM3 protein (p.Asp47Glu). The aspartic acid residue is highly conserved and there is a small physicochemical difference between aspartic acid and glutamic acid.

NM_014476.6(PDLIM3):c.141T>A (p.Asp47Glu)

Gene: PDLIM3 (PDZ and LIM domain 3; minus strand). Cytogenetic location: 4q35.1.
Variant type: single nucleotide variant.
Coding change: c.141T>A on transcript NM_014476.6 (MANE Select); coding-DNA position 141, T replaced by A.
Protein change: p.Asp47Glu; replaces aspartic acid 47 with glutamic acid.
Molecular consequence: missense variant. On other transcripts: non-coding transcript variant (1), intron variant (1).
Genome position (GRCh38, 1-based): chr4:185,525,124, A>T on the plus strand (T>A on the coding strand, the complement: PDLIM3 is on the minus strand). VCF-style: chr4-185525124-A-T. GRCh37 (hg19) VCF-style: chr4-186446278-A-T.
Other names: c.141T>A, p.Asp47Glu (NM_001114107.5, NM_001257962.2); c.93+10218T>A (NM_001257963.2); short protein forms D47E.
Identifiers: ClinVar variation 454475 (VCV000454475.9), dbSNP rs778943215, ClinGen allele CA3159897.
Genomic context (GRCh38, chr4:185,525,124, plus strand): 5'-GTCCTGCGCATCAGCATGAGTCATGGACTCTGTCCCAAAGCCGTCAATAGCCAGGATGAC[A>T]TCTCCAGGACACAGGTTGGCAGCTGCCGCCTTGCTTCCTGGTGTAATCTGGAAGAAATCA-3'
Protein context (NP_055291.2, residues 37-57): KAAAANLCPG[Asp47Glu]VILAIDGFGT